The following is an entry in ClinVar:

NM_000478.6(ALPL):c.1214_1215del (p.Thr405fs)

Gene: ALPL (alkaline phosphatase, biomineralization associated; plus strand). Cytogenetic location: 1p36.12.
Variant type: Microsatellite.
Coding change: c.1214_1215del on transcript NM_000478.6 (MANE Select); coding-DNA positions 1214 to 1215, 2 bases deleted (CA; older notation c.1214_1215delCA).
Protein change: p.Thr405fs; shifts the reading frame from threonine 405.
Molecular consequence: frameshift variant.
Genome position (GRCh38, 1-based): chr1:21,576,546-21,576,547, CA deleted; deleting any 2 consecutive bases within chr1:21,576,543-21,576,547 gives the same sequence; the c. name uses the placement nearest the transcript's 3' end. VCF-style (leftmost placement, unchanged base first): chr1-21576542-GAC-G. GRCh37 (hg19) VCF-style: chr1-21903035-GAC-G.
Other names: c.1049_1050del, p.Thr350fs (NM_001127501.4); c.983_984del, p.Thr328fs (NM_001177520.3); c.1214_1215del, p.Thr405fs (NM_001369803.2, NM_001369804.2, NM_001369805.2); short protein forms T405fs, T350fs, T328fs.
Identifiers: ClinVar variation 2202723 (VCV002202723.5), dbSNP rs2545347145, ClinGen allele CA1139655368.
Genomic context (GRCh38, chr1:21,576,542, plus strand): 5'-GGGCCCCAGCATGACCCCTGAACACCCCCTCCCTGTGCAGGTCTGGCCCCCATGCTGAGT[GAC>G]ACAGACAAGAAGCCCTTCACTGCCATCCTGTATGGCAATGGGCCTGGCTACAAGGTGGTG-3'

ClinVar aggregate classification (germline): Pathogenic. Review status: criteria provided, multiple submitters, no conflicts (2 of 4 stars). 2 submissions from 2 submitters: Pathogenic (2). Last evaluated 2026-09-01.

Conditions:
Hypophosphatasia. Also called: Phosphoethanol-aminuria. Identifiers: Orphanet 436, MedGen C0020630, MeSH D007014, MONDO:0018570.

Submissions (2):

Genomenon, Inc
Classification: Pathogenic for Hypophosphatasia. Last evaluated: 2026-09-01. Review status: criteria provided, single submitter. Criteria: Genomenon Sequence Variant Interpretation Standards - Updated. Collection method: curation. Allele origin: germline. Affected: yes.
Comment: ALPL p.Thr405ArgfsTer22 (c.1214_1215del) is a frameshift variant that is predicted to introduce a premature termination codon and result in a truncated or absent protein product. This variant has been observed in at least one proband affected with an ALPL-related disorder (PMID:32160374). It is absent or not present at a significant frequency in gnomAD. In conclusion, we classify ALPL p.Thr405ArgfsTer22 (c.1214_1215del) as a pathogenic variant.

Labcorp Genetics (formerly Invitae), Labcorp
Classification: Pathogenic. Last evaluated: 2022-05-31. Review status: criteria provided, single submitter. Criteria: Invitae Variant Classification Sherloc (09022015). Collection method: clinical testing. Allele origin: germline.
Comment: This sequence change creates a premature translational stop signal (p.Thr405Argfs*22) in the ALPL gene. While this is not anticipated to result in nonsense mediated decay, it is expected to disrupt the last 120 amino acid(s) of the ALPL protein. For these reasons, this variant has been classified as Pathogenic. This variant disrupts a region of the ALPL protein in which other variant(s) (p.Gly495Ser) have been determined to be pathogenic (PMID: 31707452; Invitae). This suggests that this is a clinically significant region of the protein, and that variants that disrupt it are likely to be disease-causing. This variant has not been reported in the literature in individuals affected with ALPL-related conditions. This variant is not present in population databases (gnomAD no frequency).

Literature cited by the submitters: PubMed 32160374 (cited by Genomenon, Inc); PubMed 31707452 (cited by Labcorp Genetics (formerly Invitae), Labcorp).